The following is an entry in ClinVar:

NM_000059.4(BRCA2):c.7390C>T (p.Gln2464Ter)

Gene: BRCA2 (BRCA2 DNA repair associated; plus strand). Cytogenetic location: 13q13.1.
Variant type: single nucleotide variant.
Coding change: c.7390C>T on transcript NM_000059.4 (MANE Select); coding-DNA position 7390, C replaced by T.
Protein change: p.Gln2464Ter; replaces glutamine 2464 with a stop codon.
Molecular consequence: nonsense.
Genome position (GRCh38, 1-based): chr13:32,355,243, C>T. VCF-style: chr13-32355243-C-T. GRCh37 (hg19) VCF-style: chr13-32929380-C-T.
Other names: short protein forms Q2464*.
Identifiers: ClinVar variation 827012 (VCV000827012.15), dbSNP rs572945276, ClinGen allele CA387741762.

ClinVar aggregate classification (germline): Pathogenic. Review status: criteria provided, multiple submitters, no conflicts (2 of 4 stars). 2 submissions from 2 submitters: Pathogenic (2). Last evaluated 2025-09-03.

Conditions:
Hereditary cancer-predisposing syndrome. Also called: Neoplastic Syndromes, Hereditary; Tumor predisposition; Hereditary neoplastic syndrome; Hereditary Cancer Syndrome. Identifiers: Orphanet 140162, MedGen C0027672, MeSH D009386, MONDO:0015356.
Hereditary breast ovarian cancer syndrome. Also called: Hereditary breast and ovarian cancer syndrome; Hereditary breast and ovarian cancer; Hereditary breast and ovarian cancer syndrome (HBOC); Breast and ovarian cancer; Hereditary breast and/or ovarian cancer syndrome; BRCA1- and BRCA2-Associated Hereditary Breast and Ovarian Cancer. Identifiers: Orphanet 145, MedGen C0677776, MeSH D061325, MONDO:0003582. Disease mechanism: loss of function.

Submissions (2):

Labcorp Genetics (formerly Invitae), Labcorp
Classification: Pathogenic for Hereditary breast ovarian cancer syndrome. Last evaluated: 2025-09-03. Review status: criteria provided, single submitter. Criteria: Invitae Variant Classification Sherloc (09022015). Collection method: clinical testing. Allele origin: germline.
Comment: This sequence change creates a premature translational stop signal (p.Gln2464*) in the BRCA2 gene. It is expected to result in an absent or disrupted protein product. Loss-of-function variants in BRCA2 are known to be pathogenic (PMID: 20104584). This variant is not present in population databases (gnomAD no frequency). This premature translational stop signal has been observed in individual(s) with breast cancer (PMID: 28724667). ClinVar contains an entry for this variant (Variation ID: 827012). Algorithms developed to predict the effect of sequence changes on RNA splicing suggest that this variant may disrupt the consensus splice site. For these reasons, this variant has been classified as Pathogenic.

Ambry Genetics
Classification: Pathogenic for Hereditary cancer-predisposing syndrome. Last evaluated: 2019-08-16. Review status: criteria provided, single submitter. Criteria: Ambry Variant Classification Scheme 2023. Collection method: clinical testing. Allele origin: germline.
Comment: The p.Q2464* pathogenic mutation (also known as c.7390C>T), located in coding exon 13 of the BRCA2 gene, results from a C to T substitution at nucleotide position 7390. This changes the amino acid from a glutamine to a stop codon within coding exon 13. This mutation has been detected in multiple Chinese individuals with breast and/or ovarian cancer (Sun et al. Clin. Cancer Res. 2017 Oct;23(20):6113-6119; Bhaskaran et al. Int. J. Cancer 2019 Aug;145(4):962-973). In addition to the clinical data presented in the literature, this alteration is expected to result in loss of function by premature protein truncation or nonsense-mediated mRNA decay. As such, this alteration is interpreted as a disease-causing mutation.

Literature cited by the submitters: PubMed 20104584 (cited by Labcorp Genetics (formerly Invitae), Labcorp); PubMed 28724667 (cited by Labcorp Genetics (formerly Invitae), Labcorp).